The following is an entry in ClinVar:

NM_022042.4(SLC26A1):c.547G>A (p.Ala183Thr)

Genes: IDUA (alpha-L-iduronidase; plus strand), SLC26A1 (solute carrier family 26 member 1; minus strand). Cytogenetic location: 4p16.3.
Variant type: single nucleotide variant.
Coding change: c.547G>A on transcript NM_022042.4 (MANE Select); coding-DNA position 547, G replaced by A.
Protein change: p.Ala183Thr; replaces alanine 183 with threonine.
Molecular consequence: missense variant. On other transcripts: intron variant (1).
Genome position (GRCh38, 1-based): chr4:991,157, C>T on the plus strand (G>A on the coding strand, the complement: SLC26A1 is on the minus strand). VCF-style: chr4-991157-C-T. GRCh37 (hg19) VCF-style: chr4-984945-C-T.
Other names: c.547G>A, p.Ala183Thr (NM_134425.4, NM_213613.4); c.299+3208C>T (NM_000203.5); c.547G>A (NM_213613.2); short protein forms A183T.
Identifiers: ClinVar variation 1042021 (VCV001042021.11), dbSNP rs546110251, ClinGen allele CA2801633.

ClinVar aggregate classification (germline): Uncertain significance. Review status: criteria provided, multiple submitters, no conflicts (2 of 4 stars). 3 submissions from 3 submitters: Uncertain significance (3). Last evaluated 2025-10-05.

Conditions:
Nephrolithiasis, calcium oxalate. Also called: Calcium oxalate urolithiasis. Identifiers: MedGen C1833683, MONDO:0957318, HP:0008672.
Inborn genetic diseases. Identifiers: MedGen C0950123, MeSH D030342.

Allele frequency attached by ClinVar (database versions not stated): gnomAD exomes 0.00001 and 0.00004; TOPMed 0.00001; ExAC 0.00006; 1000 Genomes Project 30x 0.00016; 1000 Genomes Project 0.00020; gnomAD 0.00003.
gnomAD v4.1: 25 of 1,558,316 alleles (0.0016%); highest among the groups gnomAD compares: South Asian, 0.0098%; no homozygotes.

Submissions (3):

Labcorp Genetics (formerly Invitae), Labcorp
Classification: Uncertain significance. Last evaluated: 2025-10-05. Review status: criteria provided, single submitter. Criteria: Invitae Variant Classification Sherloc (09022015). Collection method: clinical testing. Allele origin: germline.
Comment: This sequence change replaces alanine, which is neutral and non-polar, with threonine, which is neutral and polar, at codon 183 of the SLC26A1 protein (p.Ala183Thr). This variant is present in population databases (rs546110251, gnomAD 0.01%). This variant has not been reported in the literature in individuals affected with SLC26A1-related conditions. ClinVar contains an entry for this variant (Variation ID: 1042021). Invitae Evidence Modeling of protein sequence and biophysical properties (such as structural, functional, and spatial information, amino acid conservation, physicochemical variation, residue mobility, and thermodynamic stability) indicates that this missense variant is not expected to disrupt SLC26A1 protein function with a negative predictive value of 80%. In summary, the available evidence is currently insufficient to determine the role of this variant in disease. Therefore, it has been classified as a Variant of Uncertain Significance.

Ambry Genetics
Classification: Uncertain significance for Inborn genetic diseases. Last evaluated: 2024-05-14. Review status: criteria provided, single submitter. Criteria: Ambry Variant Classification Scheme 2023. Collection method: clinical testing. Allele origin: germline.

Fulgent Genetics
Classification: Uncertain significance for Nephrolithiasis susceptibility caused by SLC26A1. Last evaluated: 2022-05-08. Review status: criteria provided, single submitter. Criteria: ACMG Guidelines, 2015. Collection method: clinical testing. Allele origin: unknown.